The following is an entry in ClinVar:

ClinVar aggregate classification (germline): Uncertain significance. Review status: criteria provided, multiple submitters, no conflicts (2 of 4 stars). 3 submissions from 3 submitters: Uncertain significance (3). Last evaluated 2024-03-06.

Conditions:
Acromicric dysplasia (ACMICD). Also called: Acromicric skeletal dysplasia. Identifiers: Orphanet 969, MedGen C0265287, MONDO:0007055, OMIM 102370.
MASS syndrome (OCTD). Also called: OVERLAP CONNECTIVE TISSUE DISEASE; MASS PHENOTYPE. Identifiers: MedGen C1858556, MONDO:0011431, OMIM 604308.
Stiff skin syndrome (SSKS). Identifiers: Orphanet 2833, MedGen C1861456, MONDO:0008492, OMIM 184900.
Progeroid and marfanoid aspect-lipodystrophy syndrome. Also called: MARFANOID-PROGEROID-LIPODYSTROPHY SYNDROME; MARFANOID-PROGEROID SYNDROME; MARFAN-PROGEROID-LIPODYSTROPHY SYNDROME; Marfan lipodystrophy syndrome. Identifiers: Orphanet 300382, MedGen C4310796, MONDO:0014831, OMIM 616914.
Ectopia lentis 1, isolated, autosomal dominant (ECTOL1). Identifiers: Orphanet 1885, MedGen C3541518, MONDO:0007514, OMIM 129600.
Marfan syndrome (MFS). Also called: MARFAN SYNDROME, TYPE I; Marfan syndrome type 1; Marfan's syndrome; Marfan syndrome, classic; FBN1-Related Marfan Syndrome. Identifiers: Orphanet 284963, Orphanet 558, MedGen C0024796, MONDO:0007947, OMIM 154700.
Weill-Marchesani syndrome 2, dominant. Also called: FBN1-Related Weill-Marchesani Syndrome; Weill-Marchesani Syndrome, Autosomal Dominant. Identifiers: Orphanet 2084, MedGen C1869115, MONDO:0012013, OMIM 608328.
Geleophysic dysplasia 2 (GPHYSD2). Identifiers: Orphanet 2623, MedGen C3280054, MONDO:0013612, OMIM 614185.
Familial thoracic aortic aneurysm and aortic dissection (TAAD). Also called: Thoracic aortic aneurysms and dissections. Identifiers: Orphanet 91387, MedGen C4707243, MONDO:0019625.

Allele frequency attached by ClinVar (database versions not stated): gnomAD exomes below 0.00001 and 0.00001; ExAC 0.00001.
gnomAD v4.1: 2 of 1,613,764 alleles (0.00012%); highest among the groups gnomAD compares: East Asian, 0.0045%; no homozygotes.

Submissions (3):

Color Diagnostics, LLC DBA Color Health
Classification: Uncertain significance for Familial thoracic aortic aneurysm and aortic dissection. Last evaluated: 2024-03-06. Review status: criteria provided, single submitter. Criteria: ACMG Guidelines, 2015. Collection method: clinical testing. Allele origin: germline.
Comment: This missense variant replaces lysine with glutamic acid at codon 2865 of the FBN1 protein. Computational prediction is inconclusive regarding the impact of this variant on protein structure and function (internally defined REVEL score threshold 0.5 < inconclusive < 0.7, PMID: 27666373). Splice site prediction tools suggest that this variant may not impact RNA splicing. To our knowledge, functional studies have not been reported for this variant. This variant has not been reported in individuals affected with cardiovascular disorders in the literature. This variant has been identified in 2/251072 chromosomes in the general population by the Genome Aggregation Database (gnomAD). The available evidence is insufficient to determine the role of this variant in disease conclusively. Therefore, this variant is classified as a Variant of Uncertain Significance.

Women's Health and Genetics/Laboratory Corporation of America, LabCorp
Classification: Uncertain significance. Last evaluated: 2021-09-08. Review status: criteria provided, single submitter. Criteria: LabCorp Variant Classification Summary - May 2015. Collection method: clinical testing. Allele origin: germline.
Comment: Variant summary: FBN1 c.8593A>G (p.Lys2865Glu) results in a conservative amino acid change in the encoded protein sequence. Three of five in-silico tools predict a benign effect of the variant on protein function. The variant allele was found at a frequency of 8e-06 in 251072 control chromosomes. The available data on variant occurrences in the general population are insufficient to allow any conclusion about variant significance. To our knowledge, no occurrence of c.8593A>G in individuals affected with Marfan Syndrome and no experimental evidence demonstrating its impact on protein function have been reported. One clinical diagnostic laboratory has submitted clinical-significance assessments for this variant to ClinVar after 2014 without evidence for independent evaluation. One laboratory classified the variant as uncertain significance. Based on the evidence outlined above, the variant was classified as uncertain significance.

Juno Genomics, Hangzhou Juno Genomics, Inc
Classification: Uncertain significance for Acromicric dysplasia; Ectopia lentis 1, isolated, autosomal dominant; Geleophysic dysplasia 2; Progeroid and marfanoid aspect-lipodystrophy syndrome; Marfan syndrome; MASS syndrome; Stiff skin syndrome; Weill-Marchesani syndrome 2, dominant. Review status: criteria provided, single submitter. Criteria: ACMG Guidelines, 2015. Collection method: clinical testing. Allele origin: germline.

NM_000138.5(FBN1):c.8593A>G (p.Lys2865Glu)

Gene: FBN1 (fibrillin 1; minus strand). Cytogenetic location: 15q21.1.
Variant type: single nucleotide variant.
Coding change: c.8593A>G on transcript NM_000138.5 (MANE Select); coding-DNA position 8593, A replaced by G.
Protein change: p.Lys2865Glu; replaces lysine 2865 with glutamic acid.
Molecular consequence: missense variant.
Genome position (GRCh38, 1-based): chr15:48,411,013, T>C on the plus strand (A>G on the coding strand, the complement: FBN1 is on the minus strand). VCF-style: chr15-48411013-T-C. GRCh37 (hg19) VCF-style: chr15-48703210-T-C.
Other names: short protein forms K2865E.
Identifiers: ClinVar variation 919100 (VCV000919100.7), dbSNP rs775732785, ClinGen allele CA060207.